The following is an entry in ClinVar:

ClinVar aggregate classification (germline): Uncertain significance. Review status: criteria provided, multiple submitters, no conflicts (2 of 4 stars). 2 submissions from 2 submitters: Uncertain significance (2). Last evaluated 2026-05-03.

Conditions:
Inborn genetic diseases. Identifiers: MedGen C0950123, MeSH D030342.
Glucose-6-phosphate transport defect (GSD1B). Also called: GSD Ib; Glycogen Storage Disease Type Ib. Identifiers: Orphanet 364, Orphanet 79259, MedGen C0268146, MONDO:0009288, OMIM 232220.

Submissions (2):

Ambry Genetics
Classification: Uncertain significance for Inborn genetic diseases. Last evaluated: 2026-05-03. Review status: criteria provided, single submitter. Criteria: Ambry Variant Classification Scheme 2023. Collection method: clinical testing. Allele origin: germline.
Comment: The p.F384Y variant (also known as c.1151T>A), located in coding exon 8 of the SLC37A4 gene, results from a T to A substitution at nucleotide position 1151. The phenylalanine at codon 384 is replaced by tyrosine, an amino acid with highly similar properties. This amino acid position is conserved. In addition, this alteration is predicted to be deleterious by in silico analysis. Based on the available evidence, the clinical significance of this variant remains unclear.

Labcorp Genetics (formerly Invitae), Labcorp
Classification: Uncertain significance for Glucose-6-phosphate transport defect. Last evaluated: 2025-02-20. Review status: criteria provided, single submitter. Criteria: Invitae Variant Classification Sherloc (09022015). Collection method: clinical testing. Allele origin: germline.
Comment: This sequence change replaces phenylalanine, which is neutral and non-polar, with tyrosine, which is neutral and polar, at codon 384 of the SLC37A4 protein (p.Phe384Tyr). This variant is not present in population databases (gnomAD no frequency). This variant has not been reported in the literature in individuals affected with SLC37A4-related conditions. Invitae Evidence Modeling of protein sequence and biophysical properties (such as structural, functional, and spatial information, amino acid conservation, physicochemical variation, residue mobility, and thermodynamic stability) indicates that this missense variant is expected to disrupt SLC37A4 protein function with a positive predictive value of 80%. In summary, the available evidence is currently insufficient to determine the role of this variant in disease. Therefore, it has been classified as a Variant of Uncertain Significance.

NM_001164277.2(SLC37A4):c.1151T>A (p.Phe384Tyr)

Gene: SLC37A4 (solute carrier family 37 member 4; minus strand). Cytogenetic location: 11q23.3.
Variant type: single nucleotide variant.
Coding change: c.1151T>A on transcript NM_001164277.2 (MANE Select); coding-DNA position 1151, T replaced by A.
Protein change: p.Phe384Tyr; replaces phenylalanine 384 with tyrosine.
Molecular consequence: missense variant.
Genome position (GRCh38, 1-based): chr11:119,025,049, A>T on the plus strand (T>A on the coding strand, the complement: SLC37A4 is on the minus strand). VCF-style: chr11-119025049-A-T. GRCh37 (hg19) VCF-style: chr11-118895759-A-T.
Other names: c.1151T>A (NM_001467.5); c.1151T>A, p.Phe384Tyr (NM_001164280.2, NM_001467.6); c.1217T>A, p.Phe406Tyr (NM_001164278.2); c.932T>A, p.Phe311Tyr (NM_001164279.2); short protein forms F384Y, F311Y, F406Y.
Identifiers: ClinVar variation 3702649 (VCV003702649.3).
Genomic context (GRCh38, chr11:119,025,049, plus strand): 5'-CAAATCACTTCAGCCACCCAGAAGGCTGTGCTCCAACTGTAGTGCTTGGCAATGGTGCTG[A>T]AGGGCAGCCCAGCCAGAAAGCCGCCCACTGTCAGGGGGAAAGGGAAGAACCTAAGCCAGT-3'
Protein context (NP_001157749.1, residues 374-394): NVGGFLAGLP[Phe384Tyr]STIAKHYSWS